The following is an entry in ClinVar:

ClinVar aggregate classification (germline): Likely benign (0 of 4 stars; one submission).

Conditions:
DGAT2L6-related disorder. Also called: DGAT2L6-related condition.

Allele frequency attached by ClinVar (database versions not stated): gnomAD exomes 0.00009; ExAC 0.00022; ESP Exome Variant Server 0.00047; 1000 Genomes Project 0.00053; gnomAD 0.00088; 1000 Genomes Project 30x 0.00104; TOPMed 0.00113.
gnomAD v4.1: 205 of 1,210,000 alleles (0.017%); highest among the groups gnomAD compares: African/African-American, 0.29%; 1 homozygote.

Submission:

PreventionGenetics, part of Exact Sciences
Classification: Likely benign for DGAT2L6-related condition. Last evaluated: 2022-05-12. Review status: no assertion criteria provided. Collection method: clinical testing. Allele origin: germline.
Comment: This variant is classified as likely benign based on ACMG/AMP sequence variant interpretation guidelines (Richards et al. 2015 PMID: 25741868, with internal and published modifications).

NM_198512.3(DGAT2L6):c.385C>T (p.Arg129Trp)

Gene: DGAT2L6 (diacylglycerol O-acyltransferase 2 like 6; plus strand). Cytogenetic location: Xq13.1.
Variant type: single nucleotide variant.
Coding change: c.385C>T on transcript NM_198512.3 (MANE Select); coding-DNA position 385, C replaced by T.
Protein change: p.Arg129Trp; replaces arginine 129 with tryptophan.
Molecular consequence: missense variant.
Genome position (GRCh38, 1-based): chrX:70,200,372, C>T. VCF-style: chrX-70200372-C-T. GRCh37 (hg19) VCF-style: chrX-69420222-C-T.
Other names: short protein forms R129W.
Identifiers: ClinVar variation 3040404 (VCV003040404.2), dbSNP rs150146010, ClinGen allele CA10439674.
Genomic context (GRCh38, chrX:70,200,372, plus strand): 5'-CATGGCATTCTCTCTTTTGGTGTCTTCATCAACTTTGCCACTGAGGCCACTGGCATTGCT[C>T]GGATTTTCCCATCCATCACTCCCTTTGTAGGGACCTTAGAAAGGATATTTTGGATCCCAA-3'
Protein context (NP_940914.1, residues 119-139): NFATEATGIA[Arg129Trp]IFPSITPFVG